The following is an entry in ClinVar:

ClinVar aggregate classification (germline): Conflicting classifications of pathogenicity. Review status: criteria provided, conflicting classifications (1 of 4 stars). 5 submissions from 5 submitters: Uncertain significance (1); Likely benign (3). 1 of the submissions does not count toward it. Last evaluated 2026-06-29.

Conditions:
FGFR3-related disorder. Also called: FGFR3-related disorders.

Allele frequency attached by ClinVar (database versions not stated): ExAC 0.00003; gnomAD 0.00003; gnomAD exomes 0.00003 and 0.00009; TOPMed 0.00004; ESP Exome Variant Server 0.00015.

Submissions (5):

Women's Health and Genetics/Laboratory Corporation of America, LabCorp
Classification: Likely benign. Last evaluated: 2026-06-29. Review status: criteria provided, single submitter. Criteria: LabCorp Variant Classification Summary - May 2015. Collection method: clinical testing. Allele origin: germline.

Labcorp Genetics (formerly Invitae), Labcorp
Classification: Likely benign. Last evaluated: 2025-04-22. Review status: criteria provided, single submitter. Criteria: Invitae Variant Classification Sherloc (09022015). Collection method: clinical testing. Allele origin: germline.

Blueprint Genetics
Classification: Likely benign. Last evaluated: 2024-08-29. Review status: criteria provided, single submitter. Criteria: ACMG Guidelines, 2015. Collection method: clinical testing. Allele origin: germline.

Eurofins Ntd Llc (ga)
Classification: Uncertain significance. Last evaluated: 2017-11-30. Review status: criteria provided, single submitter. Criteria: EGL Classification Definitions 2015. Collection method: clinical testing. Allele origin: germline. Observed: 1 variant allele, 1 heterozygote.

PreventionGenetics, part of Exact Sciences
Classification: Likely benign for FGFR3-related condition. Last evaluated: 2019-06-23. Review status: no assertion criteria provided. Collection method: clinical testing. Allele origin: germline. Not counted in ClinVar's aggregate classification.
Comment: This variant is classified as likely benign based on ACMG/AMP sequence variant interpretation guidelines (Richards et al. 2015 PMID: 25741868, with internal and published modifications).

NM_000142.5(FGFR3):c.1002C>T (p.Ala334=)

Gene: FGFR3 (fibroblast growth factor receptor 3; plus strand). Cytogenetic location: 4p16.3.
Variant type: single nucleotide variant.
Coding change: c.1002C>T on transcript NM_000142.5 (MANE Select); coding-DNA position 1002, C replaced by T.
Protein change: p.Ala334=; no amino-acid change (alanine 334 retained).
Molecular consequence: synonymous variant. On other transcripts: non-coding transcript variant (1), intron variant (2).
Genome position (GRCh38, 1-based): chr4:1,803,763, C>T. VCF-style: chr4-1803763-C-T. GRCh37 (hg19) VCF-style: chr4-1805490-C-T.
Other names: c.1002C>T, p.Ala334= (NM_001354809.2, NM_001354810.2); c.1082-567C>T (NM_001163213.2); c.931-1061C>T (NM_022965.4); c.1002C>T (NM_000142.4).
Identifiers: ClinVar variation 595056 (VCV000595056.16), dbSNP rs376787929, ClinGen allele CA2810159.